The following is an entry in ClinVar:

ClinVar aggregate classification (germline): Uncertain significance (1 of 4 stars; one submission).

Allele frequency attached by ClinVar (database versions not stated): gnomAD exomes below 0.00001.
gnomAD v4.1: 2 of 1,614,004 alleles (0.00012%); no homozygotes.

Submission:

Labcorp Genetics (formerly Invitae), Labcorp
Classification: Uncertain significance. Last evaluated: 2021-09-01. Review status: criteria provided, single submitter. Criteria: Invitae Variant Classification Sherloc (09022015). Collection method: clinical testing. Allele origin: germline.
Comment: This sequence change replaces aspartic acid with glutamic acid at codon 1120 of the SZT2 protein (p.Asp1120Glu). The aspartic acid residue is highly conserved and there is a small physicochemical difference between aspartic acid and glutamic acid. This variant is not present in population databases (ExAC no frequency). This variant has not been reported in the literature in individuals affected with SZT2-related conditions. Algorithms developed to predict the effect of missense changes on protein structure and function are either unavailable or do not agree on the potential impact of this missense change (SIFT: "Tolerated"; PolyPhen-2: "Possibly Damaging"; Align-GVGD: "Class C0"). In summary, the available evidence is currently insufficient to determine the role of this variant in disease. Therefore, it has been classified as a Variant of Uncertain Significance.

NM_001365999.1(SZT2):c.3531T>A (p.Asp1177Glu)

Gene: SZT2 (SZT2 subunit of KICSTOR complex; plus strand). Cytogenetic location: 1p34.2.
Variant type: single nucleotide variant.
Coding change: c.3531T>A on transcript NM_001365999.1 (MANE Select); coding-DNA position 3531, T replaced by A.
Protein change: p.Asp1177Glu; replaces aspartic acid 1177 with glutamic acid.
Molecular consequence: missense variant.
Genome position (GRCh38, 1-based): chr1:43,427,378, T>A. VCF-style: chr1-43427378-T-A. GRCh37 (hg19) VCF-style: chr1-43893049-T-A.
Other names: c.3360T>A, p.Asp1120Glu (NM_015284.4); short protein forms D1177E, D1120E.
Identifiers: ClinVar variation 1035889 (VCV001035889.6), dbSNP rs1653287695, ClinGen allele CA340018151.
Genomic context (GRCh38, chr1:43,427,378, plus strand): 5'-CCCTCAAGAGGAGACAAAGCCTAAGTTTGGGGATTGGAGTGGGGCTCCCAGTCTGAAAGA[T>A]CTAGGAGGAACTGGGATCAAAGCTACAAAGTCCCACGTCCCTGTCCTCAGTGTGACCCTG-3'
Protein context (NP_001352928.1, residues 1167-1187): GDWSGAPSLK[Asp1177Glu]LGGTGIKATK